The following is an entry in ClinVar:

ClinVar aggregate classification (germline): Pathogenic (1 of 4 stars; one submission).

Conditions:
Hereditary breast ovarian cancer syndrome. Also called: Breast and ovarian cancer; BRCA1- and BRCA2-Associated Hereditary Breast and Ovarian Cancer; Hereditary breast and ovarian cancer syndrome; Hereditary breast and/or ovarian cancer syndrome; Hereditary breast and ovarian cancer; Hereditary breast and ovarian cancer syndrome (HBOC). Identifiers: Orphanet 145, MedGen C0677776, MeSH D061325, MONDO:0003582. Disease mechanism: loss of function.

Submission:

Labcorp Genetics (formerly Invitae), Labcorp
Classification: Pathogenic for Hereditary breast ovarian cancer syndrome. Last evaluated: 2022-10-24. Review status: criteria provided, single submitter. Criteria: Invitae Variant Classification Sherloc (09022015). Collection method: clinical testing. Allele origin: germline.
Comment: This variant is a gross deletion of the genomic region encompassing exon(s) 13 of the BRCA1 gene. This deletion is out-of-frame, and is expected to create a premature termination codon and result in an absent or disrupted protein product. Loss-of-function variants in BRCA1 are known to be pathogenic (PMID: 20104584). This variant has not been reported in the literature in individuals affected with BRCA1-related conditions. For these reasons, this variant has been classified as Pathogenic.

Literature cited by the submitters: PubMed 20104584.

NC_000017.10:g.(?_41228485)_(41228651_?)del

Gene: BRCA1 (BRCA1 DNA repair associated; minus strand). Cytogenetic location: 17q21.31.
Variant type: Deletion.
Identifiers: ClinVar variation 1068883 (VCV001068883.2).